The following is an entry in ClinVar:

NM_001122630.2(CDKN1C):c.76G>T (p.Val26Leu)

Gene: CDKN1C (cyclin dependent kinase inhibitor 1C; minus strand). Cytogenetic location: 11p15.4.
Variant type: single nucleotide variant.
Coding change: c.76G>T on transcript NM_001122630.2 (MANE Select); coding-DNA position 76, G replaced by T.
Protein change: p.Val26Leu; replaces valine 26 with leucine.
Molecular consequence: missense variant.
Genome position (GRCh38, 1-based): chr11:2,885,381, C>A on the plus strand (G>T on the coding strand, the complement: CDKN1C is on the minus strand). VCF-style: chr11-2885381-C-A. GRCh37 (hg19) VCF-style: chr11-2906611-C-A.
Other names: c.109G>T, p.Val37Leu (NM_000076.2, NM_001362474.2); c.76G>T, p.Val26Leu (NM_001122631.2, NM_001362475.2); short protein forms V26L, V37L.
Identifiers: ClinVar variation 2124005 (VCV002124005.4), dbSNP rs2494390561, ClinGen allele CA379147742.

ClinVar aggregate classification (germline): Uncertain significance (1 of 4 stars; one submission).

Conditions:
Beckwith-Wiedemann syndrome (BWS). Also called: EMG SYNDROME; Exomphalos macroglossia gigantism syndrome. Identifiers: Orphanet 116, MedGen C0004903, MONDO:0007534, OMIM 130650.

Submission:

Labcorp Genetics (formerly Invitae), Labcorp
Classification: Uncertain significance for Beckwith-Wiedemann syndrome. Last evaluated: 2024-02-17. Review status: criteria provided, single submitter. Criteria: Invitae Variant Classification Sherloc (09022015). Collection method: clinical testing. Allele origin: germline.
Comment: This sequence change replaces valine, which is neutral and non-polar, with leucine, which is neutral and non-polar, at codon 37 of the CDKN1C protein (p.Val37Leu). This variant is not present in population databases (gnomAD no frequency). This variant has not been reported in the literature in individuals affected with CDKN1C-related conditions. ClinVar contains an entry for this variant (Variation ID: 2124005). Advanced modeling of protein sequence and biophysical properties (such as structural, functional, and spatial information, amino acid conservation, physicochemical variation, residue mobility, and thermodynamic stability) performed at Invitae indicates that this missense variant is not expected to disrupt CDKN1C protein function with a negative predictive value of 80%. In summary, the available evidence is currently insufficient to determine the role of this variant in disease. Therefore, it has been classified as a Variant of Uncertain Significance.